The following is an entry in ClinVar:

ClinVar aggregate classification (germline): Uncertain significance (1 of 4 stars; one submission).

Submission:

Labcorp Genetics (formerly Invitae), Labcorp
Classification: Uncertain significance. Last evaluated: 2025-10-17. Review status: criteria provided, single submitter. Criteria: Invitae Variant Classification Sherloc (09022015). Collection method: clinical testing. Allele origin: germline.
Comment: This sequence change replaces proline, which is neutral and non-polar, with alanine, which is neutral and non-polar, at codon 818 of the ZMIZ1 protein (p.Pro818Ala). This variant is not present in population databases (gnomAD no frequency). This variant has not been reported in the literature in individuals affected with ZMIZ1-related conditions. Invitae Evidence Modeling of protein sequence and biophysical properties (such as structural, functional, and spatial information, amino acid conservation, physicochemical variation, residue mobility, and thermodynamic stability) indicates that this missense variant is not expected to disrupt ZMIZ1 protein function with a negative predictive value of 95%. In summary, the available evidence is currently insufficient to determine the role of this variant in disease. Therefore, it has been classified as a Variant of Uncertain Significance.

NM_020338.4(ZMIZ1):c.2452C>G (p.Pro818Ala)

Gene: ZMIZ1 (zinc finger MIZ-type containing 1; plus strand). Cytogenetic location: 10q22.3.
Variant type: single nucleotide variant.
Coding change: c.2452C>G on transcript NM_020338.4 (MANE Select); coding-DNA position 2452, C replaced by G.
Protein change: p.Pro818Ala; replaces proline 818 with alanine.
Molecular consequence: missense variant.
Genome position (GRCh38, 1-based): chr10:79,306,128, C>G. VCF-style: chr10-79306128-C-G. GRCh37 (hg19) VCF-style: chr10-81065885-C-G.
Other names: short protein forms P818A.
Identifiers: ClinVar variation 4747534 (VCV004747534.1).